The following is an entry in ClinVar:

ClinVar aggregate classification (germline): Uncertain significance. Review status: criteria provided, multiple submitters, no conflicts (2 of 4 stars). 2 submissions from 2 submitters: Uncertain significance (2). Last evaluated 2025-10-01.

Conditions:
Inborn genetic diseases. Identifiers: MedGen C0950123, MeSH D030342.
Charcot-Marie-Tooth disease type 4. Also called: Charcot-Marie-Tooth disease, type IV; Charcot-Marie-Tooth, Type 4. Identifiers: Orphanet 64749, MedGen C4082197, MONDO:0018995.

Allele frequency attached by ClinVar (database versions not stated): gnomAD exomes below 0.00001; ExAC 0.00001.
gnomAD v4.1: 1 of 1,612,484 alleles (0.000062%); highest among the groups gnomAD compares: Non-Finnish European, 0.000085%; no homozygotes.

Submissions (2):

Ambry Genetics
Classification: Uncertain significance for Inborn genetic diseases. Last evaluated: 2025-10-01. Review status: criteria provided, single submitter. Criteria: Ambry Variant Classification Scheme 2023. Collection method: clinical testing. Allele origin: germline.

Labcorp Genetics (formerly Invitae), Labcorp
Classification: Uncertain significance for Charcot-Marie-Tooth disease type 4. Last evaluated: 2024-12-16. Review status: criteria provided, single submitter. Criteria: Invitae Variant Classification Sherloc (09022015). Collection method: clinical testing. Allele origin: germline.
Comment: This sequence change replaces histidine, which is basic and polar, with asparagine, which is neutral and polar, at codon 409 of the FIG4 protein (p.His409Asn). This variant is present in population databases (rs748995164, gnomAD 0.003%). This variant has not been reported in the literature in individuals affected with FIG4-related conditions. ClinVar contains an entry for this variant (Variation ID: 1402113). An algorithm developed to predict the effect of missense changes on protein structure and function (PolyPhen-2) suggests that this variant is likely to be tolerated. In summary, the available evidence is currently insufficient to determine the role of this variant in disease. Therefore, it has been classified as a Variant of Uncertain Significance.

NM_014845.6(FIG4):c.1225C>A (p.His409Asn)

Gene: FIG4 (FIG4 phosphoinositide 5-phosphatase; plus strand). Cytogenetic location: 6q21.
Variant type: single nucleotide variant.
Coding change: c.1225C>A on transcript NM_014845.6 (MANE Select); coding-DNA position 1225, C replaced by A.
Protein change: p.His409Asn; replaces histidine 409 with asparagine.
Molecular consequence: missense variant.
Genome position (GRCh38, 1-based): chr6:109,760,337, C>A. VCF-style: chr6-109760337-C-A. GRCh37 (hg19) VCF-style: chr6-110081540-C-A.
Other names: c.1225C>A (NM_014845.5); short protein forms H409N.
Identifiers: ClinVar variation 1402113 (VCV001402113.7), dbSNP rs748995164, ClinGen allele CA3956017.